The following is an entry in ClinVar:

ClinVar aggregate classification (germline): Likely benign. Review status: criteria provided, multiple submitters, no conflicts (2 of 4 stars). 2 submissions from 2 submitters: Likely benign (2). Last evaluated 2023-12-13.

Conditions:
Catecholaminergic polymorphic ventricular tachycardia (CVPT). Also called: Catecholamine-induced polymorphic ventricular tachycardia. Identifiers: Orphanet 3286, MedGen C5574922, MONDO:0017990.
Catecholaminergic polymorphic ventricular tachycardia 1. Also called: VENTRICULAR TACHYCARDIA, STRESS-INDUCED POLYMORPHIC 1; VENTRICULAR TACHYCARDIA, CATECHOLAMINERGIC POLYMORPHIC, 1, WITH OR WITHOUT ATRIAL DYSFUNCTION AND/OR DILATED CARDIOMYOPATHY; RYR2-Related Catecholaminergic Polymorphic Ventricular Tachycardia. Identifiers: Orphanet 3286, MedGen C1631597, MONDO:0011484, OMIM 604772.

gnomAD v4.1: 3 of 1,613,966 alleles (0.00019%); highest among the groups gnomAD compares: Admixed American, 0.0033%; no homozygotes.

Submissions (2):

All of Us Research Program, National Institutes of Health
Classification: Likely benign for Catecholaminergic polymorphic ventricular tachycardia. Last evaluated: 2023-12-13. Review status: criteria provided, single submitter. Criteria: ACMG Guidelines, 2015. Collection method: clinical testing. Allele origin: germline. Inheritance: Autosomal dominant inheritance. Observed: 1 variant allele, 1 heterozygote.
Comment: This study involves interpretation of variants in research participants for the purpose of population health screening. Participant phenotype was not available at the time of variant classification. Additional details can be found in publication PMID: 35346344, PMCID: PMC8962531

Labcorp Genetics (formerly Invitae), Labcorp
Classification: Likely benign for Catecholaminergic polymorphic ventricular tachycardia 1. Last evaluated: 2023-10-28. Review status: criteria provided, single submitter. Criteria: Invitae Variant Classification Sherloc (09022015). Collection method: clinical testing. Allele origin: germline.

NM_001035.3(RYR2):c.2373C>A (p.Val791=)

Gene: RYR2 (ryanodine receptor 2; plus strand). Cytogenetic location: 1q43.
Variant type: single nucleotide variant.
Coding change: c.2373C>A on transcript NM_001035.3 (MANE Select); coding-DNA position 2373, C replaced by A.
Protein change: p.Val791=; no amino-acid change (valine 791 retained).
Molecular consequence: synonymous variant.
Genome position (GRCh38, 1-based): chr1:237,500,880, C>A. VCF-style: chr1-237500880-C-A. GRCh37 (hg19) VCF-style: chr1-237664180-C-A.
Identifiers: ClinVar variation 1009656 (VCV001009656.11), dbSNP rs770431899, ClinGen allele CA423817728.